The following is an entry in ClinVar:

ClinVar aggregate classification (germline): Uncertain significance (1 of 4 stars; one submission).

Submission:

Labcorp Genetics (formerly Invitae), Labcorp
Classification: Uncertain significance. Last evaluated: 2025-01-06. Review status: criteria provided, single submitter. Criteria: Invitae Variant Classification Sherloc (09022015). Collection method: clinical testing. Allele origin: germline.
Comment: This sequence change falls in intron 6 of the MSH3 gene. It does not directly change the encoded amino acid sequence of the MSH3 protein. RNA analysis indicates that this variant induces altered splicing and may result in an absent or altered protein product. This variant is not present in population databases (gnomAD no frequency). This variant has not been reported in the literature in individuals affected with MSH3-related conditions. ClinVar contains an entry for this variant (Variation ID: 2008569). Variants that disrupt the consensus splice site are a relatively common cause of aberrant splicing (PMID: 17576681, 9536098). Studies have shown that this variant results in exon skipping and partial intron inclusion, and produces a non-functional protein and/or introduces a premature termination codon (internal data). In summary, the available evidence is currently insufficient to determine the role of this variant in disease. Therefore, it has been classified as a Variant of Uncertain Significance.

Literature cited by the submitters: PubMed 17576681; PubMed 9536098.

NM_002439.5(MSH3):c.1027+4T>A

Genes: MSH3 (mutS homolog 3; plus strand), LOC126807437 (MED14-independent group 3 enhancer GRCh37_chr5:79968379-79969578; plus strand). Cytogenetic location: 5q14.1.
Variant type: single nucleotide variant.
Coding change: c.1027+4T>A on transcript NM_002439.5 (MANE Select); 4 bases into the intron after coding-DNA position 1027, T replaced by A.
Molecular consequence: intron variant.
Genome position (GRCh38, 1-based): chr5:80,672,862, T>A. VCF-style: chr5-80672862-T-A. GRCh37 (hg19) VCF-style: chr5-79968681-T-A.
Identifiers: ClinVar variation 2008569 (VCV002008569.4), dbSNP rs1267464368, ClinGen allele CA2580073597.
Genomic context (GRCh38, chr5:80,672,862, plus strand): 5'-CACTCTTTTCCCGGAAATTGACTGCCCTTTATACAAAATCTACACTTATTGGAGAAGATA[T>A]CCTTTTTGGACGGGAGTTTTTCTCTTAAATGATACAAGGGCTTTGTTGGCAGGTTTTGTT-3'